The following is an entry in ClinVar:

NM_022166.4(XYLT1):c.1652G>A (p.Arg551His)

Genes: XYLT1 (xylosyltransferase 1; minus strand), LOC102723692 (uncharacterized LOC102723692; plus strand). Cytogenetic location: 16p12.3.
Variant type: single nucleotide variant.
Coding change: c.1652G>A on transcript NM_022166.4 (MANE Select); coding-DNA position 1652, G replaced by A.
Protein change: p.Arg551His; replaces arginine 551 with histidine.
Molecular consequence: missense variant. On other transcripts: non-coding transcript variant (1).
Genome position (GRCh38, 1-based): chr16:17,138,467, C>T on the plus strand (G>A on the coding strand, the complement: XYLT1 is on the minus strand). VCF-style: chr16-17138467-C-T. GRCh37 (hg19) VCF-style: chr16-17232324-C-T.
Other names: short protein forms R551H.
Identifiers: ClinVar variation 2141573 (VCV002141573.2), dbSNP rs550041464, ClinGen allele CA7927827.

ClinVar aggregate classification (germline): Uncertain significance (1 of 4 stars; one submission).

Conditions:
Desbuquois dysplasia 1 (DBQD1). Also called: DESBUQUOIS DYSPLASIA 1, KIM VARIANT; MICROMELIC DWARFISM WITH VERTEBRAL AND METAPHYSEAL ABNORMALITIES AND ADVANCED CARPOTARSAL OSSIFICATION. Identifiers: Orphanet 1425, MedGen C4012146, MONDO:0009629, OMIM 251450.

Allele frequency attached by ClinVar (database versions not stated): TOPMed 0.00002; gnomAD 0.00003; gnomAD exomes 0.00003; ExAC 0.00004.
gnomAD v4.1: 41 of 1,614,016 alleles (0.0025%); highest among the groups gnomAD compares: African/African-American, 0.004%; 1 homozygote.

Submission:

Labcorp Genetics (formerly Invitae), Labcorp
Classification: Uncertain significance for Desbuquois dysplasia 1. Last evaluated: 2024-01-24. Review status: criteria provided, single submitter. Criteria: Invitae Variant Classification Sherloc (09022015). Collection method: clinical testing. Allele origin: germline.
Comment: This sequence change replaces arginine, which is basic and polar, with histidine, which is basic and polar, at codon 551 of the XYLT1 protein (p.Arg551His). This variant is present in population databases (rs550041464, gnomAD 0.006%). This variant has not been reported in the literature in individuals affected with XYLT1-related conditions. ClinVar contains an entry for this variant (Variation ID: 2141573). Advanced modeling of protein sequence and biophysical properties (such as structural, functional, and spatial information, amino acid conservation, physicochemical variation, residue mobility, and thermodynamic stability) performed at Invitae indicates that this missense variant is not expected to disrupt XYLT1 protein function with a negative predictive value of 80%. In summary, the available evidence is currently insufficient to determine the role of this variant in disease. Therefore, it has been classified as a Variant of Uncertain Significance.